The following is an entry in ClinVar:

ClinVar aggregate classification (germline): Conflicting classifications of pathogenicity. Review status: criteria provided, conflicting classifications (1 of 4 stars). 2 submissions from 2 submitters: Likely pathogenic (1); Uncertain significance (1). Last evaluated 2025-11-13.

Conditions:
Hereditary cancer-predisposing syndrome. Also called: Tumor predisposition; Hereditary neoplastic syndrome; Neoplastic Syndromes, Hereditary; Hereditary Cancer Syndrome. Identifiers: Orphanet 140162, MedGen C0027672, MeSH D009386, MONDO:0015356.

Allele frequency attached by ClinVar (database versions not stated): gnomAD exomes below 0.00001; ExAC 0.00001.

Submissions (2):

Labcorp Genetics (formerly Invitae), Labcorp
Classification: Likely pathogenic. Last evaluated: 2025-11-13. Review status: criteria provided, single submitter. Criteria: Invitae Variant Classification Sherloc (09022015). Collection method: clinical testing. Allele origin: germline.
Comment: This sequence change affects an acceptor splice site in intron 6 of the POLE gene. It is expected to disrupt RNA splicing. Variants that disrupt the donor or acceptor splice site typically lead to a loss of protein function (PMID: 16199547), and loss-of-function variants in POLE are known to be pathogenic (PMID: 23230001, 25948378, 30503519). This variant is present in population databases (rs775867835, gnomAD 0.0009%). This variant has not been reported in the literature in individuals affected with POLE-related conditions. ClinVar contains an entry for this variant (Variation ID: 1941248). Studies have shown that disruption of this splice site is associated with inconclusive levels of altered splicing (internal data). In summary, the currently available evidence indicates that the variant is pathogenic, but additional data are needed to prove that conclusively. Therefore, this variant has been classified as Likely Pathogenic.

Ambry Genetics
Classification: Uncertain significance for Hereditary cancer-predisposing syndrome. Last evaluated: 2025-11-05. Review status: criteria provided, single submitter. Criteria: Ambry Variant Classification Scheme 2023. Collection method: clinical testing. Allele origin: germline.
Comment: The c.579-1G>A intronic variant results from a G to A substitution one nucleotide upstream from coding exon 7 of the POLE gene. This nucleotide position is highly conserved in available vertebrate species. In silico splice site analysis predicts that this alteration will weaken the native splice acceptor site. RNA studies have demonstrated that this alteration results in abnormal splicing in the set of samples tested (Ambry internal data). Although biallelic loss of function of POLE has been associated with autosomal recessive POLE deficiency, haploinsufficiency of POLE has not been established as a mechanism of disease for POLE-related polymerase proofreading-associated polyposis (PPAP) and POLE-related CMMRD-like syndrome. Based on the supporting evidence, this variant is expected to be causative of POLE deficiency when present along with a second pathogenic variant on the other allele; however, its clinical significance for PPAP and POLE-related CMMRD-like syndrome is unclear.

Literature cited by the submitters: PubMed 16199547 (cited by Labcorp Genetics (formerly Invitae), Labcorp); PubMed 23230001 (cited by Labcorp Genetics (formerly Invitae), Labcorp); PubMed 25948378 (cited by Labcorp Genetics (formerly Invitae), Labcorp); PubMed 30503519 (cited by Labcorp Genetics (formerly Invitae), Labcorp).

NM_006231.4(POLE):c.579-1G>A

Gene: POLE (DNA polymerase epsilon, catalytic subunit; minus strand). Cytogenetic location: 12q24.33.
Variant type: single nucleotide variant.
Coding change: c.579-1G>A on transcript NM_006231.4 (MANE Select); the canonical splice acceptor site of the intron before coding-DNA position 579, G replaced by A.
Molecular consequence: splice acceptor variant.
Genome position (GRCh38, 1-based): chr12:132,677,720, C>T on the plus strand (G>A on the coding strand, the complement: POLE is on the minus strand). VCF-style: chr12-132677720-C-T. GRCh37 (hg19) VCF-style: chr12-133254306-C-T.
Other names: c.579-1G>A (NM_006231.2).
Identifiers: ClinVar variation 1941248 (VCV001941248.6), dbSNP rs775867835, ClinGen allele CA6894260.
Genomic context (GRCh38, chr12:132,677,720, plus strand): 5'-TCAGCTATCTTCTTAGAGGTTTCCTCTTCATCAGTAATGACACCGCCCCTCTGCAGAACA[C>T]TAGGAATTAACAAGAGAGCAACTAACTCAGCTGCCAGGGTCTGGAGGAGGTGAGACCAGA-3'